The following is an entry in ClinVar:

NM_001843.4(CNTN1):c.2493T>C (p.His831=)

Gene: CNTN1 (contactin 1; plus strand). Cytogenetic location: 12q12.
Variant type: single nucleotide variant.
Coding change: c.2493T>C on transcript NM_001843.4 (MANE Select); coding-DNA position 2493, T replaced by C.
Protein change: p.His831=; no amino-acid change (histidine 831 retained).
Molecular consequence: synonymous variant.
Genome position (GRCh38, 1-based): chr12:41,020,410, T>C. VCF-style: chr12-41020410-T-C. GRCh37 (hg19) VCF-style: chr12-41414212-T-C.
Other names: c.2460T>C, p.His820= (NM_175038.2).
Identifiers: ClinVar variation 128795 (VCV000128795.19), dbSNP rs61754102, ClinGen allele CA152446.
Genomic context (GRCh38, chr12:41,020,410, plus strand): 5'-CCCAACAGAAGTAGGTGTAAAAGTCTTATCATCTTCTGAGATATCTGTTCATTGGGAACA[T>C]GTTTTAGAAAAAATAGTGGAAAGCTATCAGGTACGTTAAATTTTTATCAAACTAAATACA-3'
Protein context (NP_001834.2, residues 821-841): SSSEISVHWE[His831=]VLEKIVESYQ

ClinVar aggregate classification (germline): Benign/Likely benign. Review status: criteria provided, multiple submitters, no conflicts (2 of 4 stars). 5 submissions from 5 submitters: Benign (3); Likely benign (2). Last evaluated 2026-02-01.

Conditions:
Compton-North congenital myopathy (CMYO12). Identifiers: Orphanet 210163, MedGen C2675527, MONDO:0012929, OMIM 612540.

Allele frequency attached by ClinVar (database versions not stated): ESP Exome Variant Server 0.00377; gnomAD 0.00396 and 0.00438; 1000 Genomes Project 0.00399; TOPMed 0.00433; 1000 Genomes Project 30x 0.00437.
gnomAD v4.1: 7,802 of 1,611,820 alleles (0.48%); highest among the groups gnomAD compares: Middle Eastern, 3.4%; 87 homozygotes.

Submissions (5):

Labcorp Genetics (formerly Invitae), Labcorp
Classification: Benign for Compton-North congenital myopathy. Last evaluated: 2026-02-01. Review status: criteria provided, single submitter. Criteria: Invitae Variant Classification Sherloc (09022015). Collection method: clinical testing. Allele origin: germline.

GeneDx
Classification: Benign. Last evaluated: 2016-06-08. Review status: criteria provided, single submitter. Criteria: GeneDx Variant Classification (06012015). Collection method: clinical testing. Allele origin: germline. Affected: yes.
Comment: This variant is considered likely benign or benign based on one or more of the following criteria: it is a conservative change, it occurs at a poorly conserved position in the protein, it is predicted to be benign by multiple in silico algorithms, and/or has population frequency not consistent with disease.

Genetic Services Laboratory, University of Chicago
Classification: Likely benign for AllHighlyPenetrant. Last evaluated: 2013-08-16. Review status: criteria provided, single submitter. Criteria: ACMG Guidelines, 2007. Collection method: clinical testing. Allele origin: germline. Inheritance: Autosomal recessive inheritance.

Breakthrough Genomics
Classification: Likely benign. Review status: criteria provided, single submitter. Criteria: ACMG Guidelines, 2015. Collection method: not provided. Allele origin: germline. Inheritance: Autosomal recessive inheritance. Affected: yes.

PreventionGenetics, part of Exact Sciences
Classification: Benign. Review status: criteria provided, single submitter. Criteria: ACMG Guidelines, 2015. Collection method: clinical testing. Allele origin: germline.